The following is an entry in ClinVar:

ClinVar aggregate classification (germline): Pathogenic/Likely pathogenic. Review status: criteria provided, multiple submitters, no conflicts (2 of 4 stars). 2 submissions from 2 submitters: Pathogenic (1); Likely pathogenic (1). Last evaluated 2026-02-03.

Conditions:
Cardiomyopathy (CMYO). Also called: Cardiomyopathies. Identifiers: Orphanet 167848, MedGen C0878544, MONDO:0004994, HP:0001638. Inheritance: Various modes of inheritance.
Hypertrophic cardiomyopathy. Also called: HYPERTROPHIC MYOCARDIOPATHY. Identifiers: Orphanet 217569, MedGen C0007194, MeSH D002312, MONDO:0005045, HP:0001639.

Submissions (2):

Labcorp Genetics (formerly Invitae), Labcorp
Classification: Likely pathogenic for Hypertrophic cardiomyopathy. Last evaluated: 2026-02-03. Review status: criteria provided, single submitter. Criteria: Invitae Variant Classification Sherloc (09022015). Collection method: clinical testing. Allele origin: germline.
Comment: This sequence change affects an acceptor splice site in intron 8 of the MYBPC3 gene. It is expected to disrupt RNA splicing. Variants that disrupt the donor or acceptor splice site typically lead to a loss of protein function (PMID: 16199547), and loss-of-function variants in MYBPC3 are known to be pathogenic (PMID: 19574547). This variant is not present in population databases (gnomAD no frequency). Disruption of this splice site has been observed in individual(s) with hypertrophic cardiomyopathy (PMID: 21750094). ClinVar contains an entry for this variant (Variation ID: 181053). Algorithms developed to predict the effect of sequence changes on RNA splicing suggest that this variant may disrupt the consensus splice site. In summary, the currently available evidence indicates that the variant is pathogenic, but additional data are needed to prove that conclusively. Therefore, this variant has been classified as Likely Pathogenic.

CHEO Genetics Diagnostic Laboratory, Children's Hospital of Eastern Ontario
Classification: Pathogenic for Cardiomyopathy. Last evaluated: 2016-02-23. Review status: criteria provided, single submitter. Criteria: ACMG Guidelines, 2015. Collection method: clinical testing. Allele origin: germline. Study: Canadian Open Genetics Repository.

Literature cited by the submitters: PubMed 16199547 (cited by Labcorp Genetics (formerly Invitae), Labcorp); PubMed 19574547 (cited by Labcorp Genetics (formerly Invitae), Labcorp); PubMed 21750094 (cited by Labcorp Genetics (formerly Invitae), Labcorp).

NM_000256.3(MYBPC3):c.852-1G>A

Gene: MYBPC3 (myosin binding protein C3; minus strand). Cytogenetic location: 11p11.2.
Variant type: single nucleotide variant.
Coding change: c.852-1G>A on transcript NM_000256.3 (MANE Select); the canonical splice acceptor site of the intron before coding-DNA position 852, G replaced by A.
Molecular consequence: splice acceptor variant.
Genome position (GRCh38, 1-based): chr11:47,347,480, C>T on the plus strand (G>A on the coding strand, the complement: MYBPC3 is on the minus strand). VCF-style: chr11-47347480-C-T. GRCh37 (hg19) VCF-style: chr11-47369031-C-T.
Identifiers: ClinVar variation 181053 (VCV000181053.4), dbSNP rs368121566, ClinGen allele CA015964.
Genomic context (GRCh38, chr11:47,347,480, plus strand): 5'-ACTCACCTCTTTTTCAGCAGTGAGCTGAAGTCCAGAATCCCAGTGTCCTCATGGCTATCA[C>T]TATGGAGAGGGACCCCCAGTGAGGCTGCAGTGAGGGACTGGAAAGGGATTAGGAGCAGGA-3'